The following is an entry in ClinVar:

ClinVar aggregate classification (germline): Uncertain significance (1 of 4 stars; one submission).

Conditions:
RFX3-related disorder. Also called: RFX3-related condition.

gnomAD v4.1: 4 of 1,613,966 alleles (0.00025%); highest among the groups gnomAD compares: Non-Finnish European, 0.00034%; no homozygotes.

Submission:

PreventionGenetics, part of Exact Sciences
Classification: Uncertain significance for RFX3-related condition. Last evaluated: 2024-12-26. Review status: criteria provided, single submitter. Criteria: ACMG Guidelines, 2015. Collection method: clinical testing. Allele origin: germline.
Comment: The RFX3 c.1960A>G variant is predicted to result in the amino acid substitution p.Met654Val. To our knowledge, this variant has not been reported in the literature. This variant is reported in 0.0027% of alleles in individuals of European (Non-Finnish) descent in gnomAD. At this time, the clinical significance of this variant is uncertain due to the absence of conclusive functional and genetic evidence.

NM_001282116.2(RFX3):c.1960A>G (p.Met654Val)

Gene: RFX3 (regulatory factor X3; minus strand). Cytogenetic location: 9p24.2.
Variant type: single nucleotide variant.
Coding change: c.1960A>G on transcript NM_001282116.2 (MANE Select); coding-DNA position 1960, A replaced by G.
Protein change: p.Met654Val; replaces methionine 654 with valine.
Molecular consequence: missense variant.
Genome position (GRCh38, 1-based): chr9:3,248,040, T>C on the plus strand (A>G on the coding strand, the complement: RFX3 is on the minus strand). VCF-style: chr9-3248040-T-C. GRCh37 (hg19) VCF-style: chr9-3248040-T-C.
Other names: c.1960A>G, p.Met654Val (NM_001377999.1, NM_002919.4, NM_134428.3); short protein forms M654V.
Identifiers: ClinVar variation 5001766 (VCV005001766.1).
Genomic context (GRCh38, chr9:3,248,040, plus strand): 5'-CTGGCTTATTTTTAATAACCCAGTGGGTCACAGCTCTTTCAGCCTCTCTTACCTCGCCCA[T>C]GACTGCTATAGGAGTCTCTCCTGTTGCCTGAGCAACACGATGTTCTACTAAGTAAAACAT-3'
Protein context (NP_001269045.1, residues 644-664): QATGETPIAV[Met654Val]GEFGDLNAVS